The following is an entry in ClinVar:

ClinVar aggregate classification (germline): Pathogenic. Review status: criteria provided, multiple submitters, no conflicts (2 of 4 stars). 2 submissions from 2 submitters: Pathogenic (2). Last evaluated 2026-01-29.

Conditions:
Infantile neuroaxonal dystrophy (NBIA2A). Also called: Infantile neuroaxonal dystrophy 1; NEURODEGENERATION WITH BRAIN IRON ACCUMULATION 2A; SEITELBERGER DISEASE. Identifiers: Orphanet 35069, MedGen C0270724, MONDO:0024457, OMIM 256600.

Submissions (2):

GeneDx
Classification: Pathogenic. Last evaluated: 2026-01-29. Review status: criteria provided, single submitter. Criteria: GeneDx Variant Classification Process June 2021. Collection method: clinical testing. Allele origin: germline. Affected: yes.
Comment: Nonsense variant predicted to result in protein truncation or nonsense mediated decay in a gene for which loss of function is a known mechanism of disease; Not observed at significant frequency in large population cohorts (gnomAD); This variant is associated with the following publications: (PMID: 35873758)

Labcorp Genetics (formerly Invitae), Labcorp
Classification: Pathogenic for Infantile neuroaxonal dystrophy. Last evaluated: 2023-09-01. Review status: criteria provided, single submitter. Criteria: Invitae Variant Classification Sherloc (09022015). Collection method: clinical testing. Allele origin: germline.
Comment: For these reasons, this variant has been classified as Pathogenic. ClinVar contains an entry for this variant (Variation ID: 523848). This variant has not been reported in the literature in individuals affected with PLA2G6-related conditions. This variant is not present in population databases (gnomAD no frequency). This sequence change creates a premature translational stop signal (p.Gln73*) in the PLA2G6 gene. It is expected to result in an absent or disrupted protein product. Loss-of-function variants in PLA2G6 are known to be pathogenic (PMID: 16783378, 18570303, 18799783, 22213678).

Literature cited by the submitters: PubMed 16783378 (cited by Labcorp Genetics (formerly Invitae), Labcorp); PubMed 18570303 (cited by Labcorp Genetics (formerly Invitae), Labcorp); PubMed 18799783 (cited by Labcorp Genetics (formerly Invitae), Labcorp); PubMed 22213678 (cited by Labcorp Genetics (formerly Invitae), Labcorp).

NM_003560.4(PLA2G6):c.217C>T (p.Gln73Ter)

Gene: PLA2G6 (phospholipase A2 group VI; minus strand). Cytogenetic location: 22q13.1.
Variant type: single nucleotide variant.
Coding change: c.217C>T on transcript NM_003560.4 (MANE Select); coding-DNA position 217, C replaced by T.
Protein change: p.Gln73Ter; replaces glutamine 73 with a stop codon.
Molecular consequence: nonsense. On other transcripts: 5 prime UTR variant (3).
Genome position (GRCh38, 1-based): chr22:38,145,646, G>A on the plus strand (C>T on the coding strand, the complement: PLA2G6 is on the minus strand). VCF-style: chr22-38145646-G-A. GRCh37 (hg19) VCF-style: chr22-38541653-G-A.
Other names: c.217C>T, p.Gln73Ter (NM_001004426.3, NM_001199562.3, NM_001349864.2 and 2 more transcripts); c.-318C>T (NM_001349867.2, NM_001349869.2); c.-274C>T (NM_001349868.2); short protein forms Q73*.
Identifiers: ClinVar variation 523848 (VCV000523848.6), dbSNP rs1556032708, ClinGen allele CA411532515.